The following is an entry in ClinVar:

NM_006231.4(POLE):c.910-6G>C

Gene: POLE (DNA polymerase epsilon, catalytic subunit; minus strand). Cytogenetic location: 12q24.33.
Variant type: single nucleotide variant.
Coding change: c.910-6G>C on transcript NM_006231.4 (MANE Select); 6 bases into the intron before coding-DNA position 910, G replaced by C.
Molecular consequence: intron variant.
Genome position (GRCh38, 1-based): chr12:132,676,210, C>G on the plus strand (G>C on the coding strand, the complement: POLE is on the minus strand). VCF-style: chr12-132676210-C-G. GRCh37 (hg19) VCF-style: chr12-133252796-C-G.
Other names: p.?.
Identifiers: ClinVar variation 380209 (VCV000380209.47), dbSNP rs4077170, ClinGen allele CA6894139.

ClinVar aggregate classification (germline): Benign. Review status: criteria provided, multiple submitters, no conflicts (2 of 4 stars). 18 submissions from 17 submitters: Benign (16). 2 of the submissions do not count toward it. Last evaluated 2026-02-04.

Conditions:
Facial dysmorphism-immunodeficiency-livedo-short stature syndrome. Also called: Facial dysmorphism, immunodeficiency, livedo, and short stature; FILS syndrome. Identifiers: Orphanet 352712, MedGen C3554576, MONDO:0014058, OMIM 615139.
Hereditary cancer-predisposing syndrome. Also called: Tumor predisposition; Neoplastic Syndromes, Hereditary; Hereditary neoplastic syndrome; Hereditary Cancer Syndrome. Identifiers: Orphanet 140162, MedGen C0027672, MeSH D009386, MONDO:0015356.
POLE-related polyposis and colorectal cancer syndrome. Identifiers: MedGen CN324030, MONDO:0100287.
Intrauterine growth retardation, metaphyseal dysplasia, adrenal hypoplasia congenita, genital anomalies, and immunodeficiency. Also called: IMAGEI SYNDROME. Identifiers: MedGen C5193036, MONDO:0032684, OMIM 618336.
Colorectal cancer, susceptibility to, 12 (CRCS12). Also called: COLORECTAL CANCER, SUSCEPTIBILITY TO, ON CHROMOSOME 12q24. Identifiers: Orphanet 220460, MedGen C3554460, MONDO:0014038, OMIM 615083.

Allele frequency attached by ClinVar (database versions not stated): 1000 Genomes Project 30x 0.56761; 1000 Genomes Project 0.57169; gnomAD 0.64353; TOPMed 0.64580; ESP Exome Variant Server 0.68215.
gnomAD v4.1: 1,080,399 of 1,600,780 alleles (67%); highest among the groups gnomAD compares: Non-Finnish European, 70%; 369,890 homozygotes.

Submissions (18):

Labcorp Genetics (formerly Invitae), Labcorp
Classification: Benign. Last evaluated: 2026-02-04. Review status: criteria provided, single submitter. Criteria: Invitae Variant Classification Sherloc (09022015). Collection method: clinical testing. Allele origin: germline.

ARUP Laboratories, Molecular Genetics and Genomics, ARUP Laboratories
Classification: Benign. Last evaluated: 2025-07-30. Review status: criteria provided, single submitter. Criteria: ARUP Molecular Germline Variant Investigation Process 2024. Collection method: clinical testing. Allele origin: germline.

GeneKor MSA
Classification: Benign for Hereditary cancer-predisposing syndrome. Last evaluated: 2025-07-10. Review status: criteria provided, single submitter. Criteria: ACMG Guidelines, 2015. Collection method: clinical testing. Allele origin: germline.

Genomic Medicine Center of Excellence, King Faisal Specialist Hospital and Research Centre
Classification: Benign for Colorectal cancer, susceptibility to, 12. Last evaluated: 2024-12-19. Review status: criteria provided, single submitter. Criteria: ACMG Guidelines, 2015. Collection method: clinical testing. Allele origin: germline.

Blueprint Genetics
Classification: Benign. Last evaluated: 2024-11-27. Review status: criteria provided, single submitter. Criteria: ACMG Guidelines, 2015. Collection method: clinical testing. Allele origin: germline.

KCCC/NGS Laboratory, Kuwait Cancer Control Center
Classification: Benign for Colorectal cancer, susceptibility to, 12. Last evaluated: 2023-07-07. Review status: criteria provided, single submitter. Criteria: ACMG Guidelines, 2015. Collection method: clinical testing. Allele origin: germline. Affected: yes.

Mayo Clinic Laboratories, Mayo Clinic
Classification: Benign. Last evaluated: 2022-09-06. Review status: criteria provided, single submitter. Criteria: ACMG Guidelines, 2015. Collection method: clinical testing. Allele origin: germline. Observed: 614 variant alleles.

Genome-Nilou Lab
Classification: Benign for Facial dysmorphism-immunodeficiency-livedo-short stature syndrome. Last evaluated: 2021-10-25. Review status: criteria provided, single submitter. Criteria: ACMG Guidelines, 2015. Collection method: clinical testing. Allele origin: germline. Affected: no.

Genome-Nilou Lab
Classification: Benign for Intrauterine growth retardation, metaphyseal dysplasia, adrenal hypoplasia congenita, genital anomalies, and immunodeficiency. Last evaluated: 2021-10-25. Review status: criteria provided, single submitter. Criteria: ACMG Guidelines, 2015. Collection method: clinical testing. Allele origin: germline. Affected: no.

Department of Pathology and Laboratory Medicine, Sinai Health System
Classification: Benign for POLE-related polyposis and colorectal cancer syndrome. Last evaluated: 2020-07-13. Review status: criteria provided, single submitter. Criteria: ACMG Guidelines, 2015. Collection method: clinical testing. Allele origin: germline.

PreventionGenetics, part of Exact Sciences
Classification: Benign. Last evaluated: 2016-10-03. Review status: criteria provided, single submitter. Criteria: ACMG Guidelines, 2015. Collection method: clinical testing. Allele origin: germline.

Women's Health and Genetics/Laboratory Corporation of America, LabCorp
Classification: Benign. Last evaluated: 2016-05-25. Review status: criteria provided, single submitter. Criteria: LabCorp Variant Classification Summary - May 2015. Collection method: clinical testing. Allele origin: germline.
Comment: Variant summary: The POLE c.910-6G>C intronic variant involves the alteration of a non-conserved nucleotide. One in silico tool predicts a benign outcome for this variant along with 5/5 splice site tools predicting the variant to to have an impact on normal splicing. This variant was found in 76218/120852 control chromosomes (24815 homozygotes) at a frequency of 0.6306722 suggesting the variant to be the ancestral allele and a benign polymorphism. Taken together, this variant is classified as Benign.

Laboratory for Molecular Medicine, Mass General Brigham Personalized Medicine
Classification: Benign. Last evaluated: 2016-03-29. Review status: criteria provided, single submitter. Criteria: LMM Criteria. Collection method: clinical testing. Allele origin: germline.
Comment: Variant identified in a genome or exome case(s) and assessed due to predicted null impact of the variant or pathogenic assertions in the literature or databases. Disclaimer: This variant has not undergone full assessment. The following are preliminary notes: Frequency

GeneDx
Classification: Benign. Last evaluated: 2015-10-29. Review status: criteria provided, single submitter. Criteria: GeneDx Variant Classification (06012015). Collection method: clinical testing. Allele origin: germline. Affected: yes.
Comment: This variant is considered likely benign or benign based on one or more of the following criteria: it is a conservative change, it occurs at a poorly conserved position in the protein, it is predicted to be benign by multiple in silico algorithms, and/or has population frequency not consistent with disease.

Ambry Genetics
Classification: Benign for Hereditary cancer-predisposing syndrome. Last evaluated: 2015-05-19. Review status: criteria provided, single submitter. Criteria: Ambry Variant Classification Scheme 2023. Collection method: clinical testing. Allele origin: germline.

Breakthrough Genomics
Classification: Benign. Review status: criteria provided, single submitter. Criteria: ACMG Guidelines, 2015. Collection method: not provided. Allele origin: germline. Inheritance: Autosomal recessive inheritance. Affected: yes.

Clinical Genetics, Academic Medical Center
Classification: Benign. Review status: no assertion criteria provided. Collection method: clinical testing. Allele origin: germline. Affected: yes. Study: VKGL Data-share Consensus. Not counted in ClinVar's aggregate classification.

Joint Genome Diagnostic Labs from Nijmegen and Maastricht, Radboudumc and MUMC+
Classification: Benign. Review status: no assertion criteria provided. Collection method: clinical testing. Allele origin: germline. Affected: yes. Study: VKGL Data-share Consensus. Not counted in ClinVar's aggregate classification.